The following is an entry in ClinVar:

ClinVar aggregate classification (germline): Pathogenic (1 of 4 stars; one submission).

Submission:

Labcorp Genetics (formerly Invitae), Labcorp
Classification: Pathogenic. Last evaluated: 2021-12-04. Review status: criteria provided, single submitter. Criteria: Invitae Variant Classification Sherloc (09022015). Collection method: clinical testing. Allele origin: germline.
Comment: This sequence change affects an acceptor splice site in intron 11 of the PRPF31 gene. It is expected to disrupt RNA splicing. Variants that disrupt the donor or acceptor splice site typically lead to a loss of protein function (PMID: 16199547), and loss-of-function variants in PRPF31 are known to be pathogenic (PMID: 18317597, 23950152). This variant is not present in population databases (gnomAD no frequency). Disruption of this splice site has been observed in individuals with retinitis pigmentosa (Invitae). Algorithms developed to predict the effect of sequence changes on RNA splicing suggest that this variant may disrupt the consensus splice site. For these reasons, this variant has been classified as Pathogenic.

Literature cited by the submitters: PubMed 16199547; PubMed 18317597; PubMed 23950152.

NM_015629.4(PRPF31):c.1147-2A>G

Gene: PRPF31 (pre-mRNA processing factor 31; plus strand). Cytogenetic location: 19q13.42.
Variant type: single nucleotide variant.
Coding change: c.1147-2A>G on transcript NM_015629.4 (MANE Select); the canonical splice acceptor site of the intron before coding-DNA position 1147, A replaced by G.
Molecular consequence: splice acceptor variant.
Genome position (GRCh38, 1-based): chr19:54,129,055, A>G. VCF-style: chr19-54129055-A-G. GRCh37 (hg19) VCF-style: chr19-54632430-A-G.
Identifiers: ClinVar variation 1452960 (VCV001452960.6), dbSNP rs2146449761, ClinGen allele CA407754313.